The following is an entry in ClinVar:

ClinVar aggregate classification (germline): Likely benign. Review status: criteria provided, multiple submitters, no conflicts (2 of 4 stars). 2 submissions from 2 submitters: Likely benign (2). Last evaluated 2025-10-23.

Conditions:
MSH3-related disorder. Also called: MSH3-related condition.

Allele frequency attached by ClinVar (database versions not stated): TOPMed 0.00001.

Submissions (2):

PreventionGenetics, part of Exact Sciences
Classification: Likely benign for MSH3-related condition. Last evaluated: 2025-10-23. Review status: criteria provided, single submitter. Criteria: ACMG Guidelines, 2015. Collection method: clinical testing. Allele origin: germline.
Comment: This variant is classified as likely benign based on ACMG/AMP sequence variant interpretation guidelines (Richards et al. 2015 PMID: 25741868, with internal and published modifications).

Labcorp Genetics (formerly Invitae), Labcorp
Classification: Likely benign. Last evaluated: 2024-11-13. Review status: criteria provided, single submitter. Criteria: Invitae Variant Classification Sherloc (09022015). Collection method: clinical testing. Allele origin: germline.

NM_002439.5(MSH3):c.3000+7A>G

Gene: MSH3 (mutS homolog 3; plus strand). Cytogenetic location: 5q14.1.
Variant type: single nucleotide variant.
Coding change: c.3000+7A>G on transcript NM_002439.5 (MANE Select); 7 bases into the intron after coding-DNA position 3000, A replaced by G.
Molecular consequence: intron variant.
Genome position (GRCh38, 1-based): chr5:80,854,323, A>G. VCF-style: chr5-80854323-A-G. GRCh37 (hg19) VCF-style: chr5-80150142-A-G.
Other names: c.3000+7A>G (NM_002439.4).
Identifiers: ClinVar variation 1079908 (VCV001079908.10), dbSNP rs1229192516, ClinGen allele CA814452080.